The following is an entry in ClinVar:

ClinVar aggregate classification (germline): Uncertain significance (1 of 4 stars; one submission).

Conditions:
Tuberous sclerosis 2 (TSC2). Identifiers: Orphanet 805, MedGen C1860707, MONDO:0013199, OMIM 613254.

Submission:

Labcorp Genetics (formerly Invitae), Labcorp
Classification: Uncertain significance for Tuberous sclerosis 2. Last evaluated: 2025-05-13. Review status: criteria provided, single submitter. Criteria: Invitae Variant Classification Sherloc (09022015). Collection method: clinical testing. Allele origin: germline.
Comment: This sequence change replaces glycine, which is neutral and non-polar, with cysteine, which is neutral and slightly polar, at codon 1091 of the TSC2 protein (p.Gly1091Cys). This variant is not present in population databases (gnomAD no frequency). This variant has not been reported in the literature in individuals affected with TSC2-related conditions. ClinVar contains an entry for this variant (Variation ID: 3678352). Invitae Evidence Modeling of protein sequence and biophysical properties (such as structural, functional, and spatial information, amino acid conservation, physicochemical variation, residue mobility, and thermodynamic stability) indicates that this missense variant is not expected to disrupt TSC2 protein function with a negative predictive value of 95%. In summary, the available evidence is currently insufficient to determine the role of this variant in disease. Therefore, it has been classified as a Variant of Uncertain Significance.

NM_000548.5(TSC2):c.3271G>T (p.Gly1091Cys)

Gene: TSC2 (TSC complex subunit 2; plus strand). Cytogenetic location: 16p13.3.
Variant type: single nucleotide variant.
Coding change: c.3271G>T on transcript NM_000548.5 (MANE Select); coding-DNA position 3271, G replaced by T.
Protein change: p.Gly1091Cys; replaces glycine 1091 with cysteine.
Molecular consequence: missense variant. On other transcripts: non-coding transcript variant (5).
Genome position (GRCh38, 1-based): chr16:2,079,415, G>T. VCF-style: chr16-2079415-G-T. GRCh37 (hg19) VCF-style: chr16-2129416-G-T.
Other names: c.3139G>T, p.Gly1047Cys (NM_001077183.3, NM_001370404.1, NM_001406665.1); c.3271G>T, p.Gly1091Cys (NM_001114382.3); c.3031G>T, p.Gly1011Cys (NM_001318827.2); c.2995G>T, p.Gly999Cys (NM_001318829.2); c.2539G>T, p.Gly847Cys (NM_001318831.2, NM_001406687.1, NM_001406688.1); c.3172G>T, p.Gly1058Cys (NM_001318832.2); c.3142G>T, p.Gly1048Cys (NM_001363528.2, NM_001370405.1, NM_021055.3); c.3268G>T, p.Gly1090Cys (NM_001406663.1, NM_001406664.1); and 18 more; short protein forms G1010C, G1028C, G1043C, G1044C, G1054C, G1090C, G1091C, G643C.
Identifiers: ClinVar variation 3678352 (VCV003678352.2).